The following is an entry in ClinVar:

ClinVar aggregate classification (germline): Uncertain significance. Review status: criteria provided, multiple submitters, no conflicts (2 of 4 stars). 2 submissions from 2 submitters: Uncertain significance (2). Last evaluated 2025-04-18.

Conditions:
Hereditary cancer-predisposing syndrome. Also called: Neoplastic Syndromes, Hereditary; Tumor predisposition; Hereditary Cancer Syndrome; Hereditary neoplastic syndrome. Identifiers: Orphanet 140162, MedGen C0027672, MeSH D009386, MONDO:0015356.

Submissions (2):

Labcorp Genetics (formerly Invitae), Labcorp
Classification: Uncertain significance. Last evaluated: 2025-04-18. Review status: criteria provided, single submitter. Criteria: Invitae Variant Classification Sherloc (09022015). Collection method: clinical testing. Allele origin: germline.
Comment: This variant, c.4611_4613del, results in the deletion of 1 amino acid(s) of the POLE protein (p.Leu1538del), but otherwise preserves the integrity of the reading frame. This variant is present in population databases (no rsID available, gnomAD 0.0009%). This variant has not been reported in the literature in individuals affected with POLE-related conditions. Experimental studies and prediction algorithms are not available or were not evaluated, and the functional significance of this variant is currently unknown. In summary, the available evidence is currently insufficient to determine the role of this variant in disease. Therefore, it has been classified as a Variant of Uncertain Significance.

Ambry Genetics
Classification: Uncertain significance for Hereditary cancer-predisposing syndrome. Last evaluated: 2024-12-22. Review status: criteria provided, single submitter. Criteria: Ambry Variant Classification Scheme 2023. Collection method: clinical testing. Allele origin: germline.
Comment: The c.4611_4613delCCT variant (also known as p.L1538del) is located in coding exon 36 of the POLE gene. This variant results from an in-frame CCT deletion at nucleotide positions 4611 to 4613. This results in the in-frame deletion of a leucine at codon 1538. This amino acid position is well conserved in available vertebrate species. In addition, the in silico prediction for this alteration is inconclusive (Choi Y et al. PLoS ONE. 2012; 7(10):e46688). Based on the available evidence, the clinical significance of this variant remains unclear.

NM_006231.4(POLE):c.4605CCT[2] (p.Leu1538del)

Gene: POLE (DNA polymerase epsilon, catalytic subunit; minus strand). Cytogenetic location: 12q24.33.
Variant type: Microsatellite.
Coding change: c.4605CCT[2] on transcript NM_006231.4 (MANE Select); two copies in a row of the 3-base unit CCT starting at c.4605; the reference has three copies in a row; one copy, 3 bases deleted.
Protein change: p.Leu1538del; deletes leucine 1538.
Molecular consequence: inframe deletion.
Genome position (GRCh38, 1-based): chr12:132,642,935-132,642,937, AGG deleted on the plus strand (CCT on the coding strand, the reverse complement: POLE is on the minus strand); deleting any 3 consecutive bases within chr12:132,642,935-132,642,943 gives the same sequence; the position shown is the placement nearest the transcript's 3' end. VCF-style (leftmost placement, unchanged base first): chr12-132642934-CAGG-C. GRCh37 (hg19) VCF-style: chr12-133219520-CAGG-C.
Other names: c.4611_4613delCCT (NM_006231.3); short protein forms L1538del.
Identifiers: ClinVar variation 473676 (VCV000473676.14), dbSNP rs1555222739, ClinGen allele CA608513895.